The following is an entry in ClinVar:

ClinVar aggregate classification (germline): Uncertain significance (1 of 4 stars; one submission).

Conditions:
Loeys-Dietz syndrome 2 (LDS2). Also called: TGFBR2-Related Loeys-Dietz Syndrome; AORTIC ANEURYSM, FAMILIAL THORACIC 3; MARFAN SYNDROME, TYPE II; Marfan syndrome, type 2 (formerly); Marfan Syndrome type 2; Marfan like connective tissue disorder. Identifiers: Orphanet 284973, Orphanet 558, MedGen C2674574, MONDO:0012427, OMIM 610168.

Submission:

All of Us Research Program, National Institutes of Health
Classification: Uncertain significance for Loeys-Dietz syndrome 2. Last evaluated: 2024-01-11. Review status: criteria provided, single submitter. Criteria: ACMG Guidelines, 2015. Collection method: clinical testing. Allele origin: germline. Inheritance: Autosomal dominant inheritance. Observed: 1 variant allele, 1 heterozygote.
Comment: This study involves interpretation of variants in research participants for the purpose of population health screening. Participant phenotype was not available at the time of variant classification. Additional details can be found in publication PMID: 35346344, PMCID: PMC8962531

NM_003242.6(TGFBR2):c.256G>T (p.Ala86Ser)

Gene: TGFBR2 (transforming growth factor beta receptor 2; plus strand). Cytogenetic location: 3p24.1.
Variant type: single nucleotide variant.
Coding change: c.256G>T on transcript NM_003242.6 (MANE Select); coding-DNA position 256, G replaced by T.
Protein change: p.Ala86Ser; replaces alanine 86 with serine.
Molecular consequence: missense variant. On other transcripts: intron variant (2).
Genome position (GRCh38, 1-based): chr3:30,644,908, G>T. VCF-style: chr3-30644908-G-T. GRCh37 (hg19) VCF-style: chr3-30686400-G-T.
Other names: c.331G>T, p.Ala111Ser (NM_001024847.3, NM_001407126.1, NM_001407139.1); c.256G>T, p.Ala86Ser (NM_001407127.1, NM_001407130.1); c.283G>T, p.Ala95Ser (NM_001407128.1); c.151G>T, p.Ala51Ser (NM_001407129.1, NM_001407132.1, NM_001407133.1 and 3 more transcripts); c.169+21635G>T (NM_001407137.1); c.95-26730G>T (NM_001407138.1); short protein forms A111S, A51S, A86S, A95S.
Identifiers: ClinVar variation 3074970 (VCV003074970.1), dbSNP rs2125404919, ClinGen allele CA351806664.